The following is an entry in ClinVar:

ClinVar aggregate classification (germline): Likely benign. Review status: criteria provided, multiple submitters, no conflicts (2 of 4 stars). 4 submissions from 4 submitters: Likely benign (4). Last evaluated 2026-02-02.

Conditions:
Cardiovascular phenotype. Identifiers: MedGen CN230736.
Walker-Warburg congenital muscular dystrophy. Also called: Muscular dystrophy-dystroglycanopathy, type A; Walker-Warburg syndrome. Identifiers: Orphanet 899, MedGen C0265221, MONDO:0000171.

Allele frequency attached by ClinVar (database versions not stated): gnomAD exomes 0.00001 and 0.00005; ExAC 0.00005; ESP Exome Variant Server 0.00023; gnomAD 0.00025 and 0.00027; TOPMed 0.00028; 1000 Genomes Project 30x 0.00047; 1000 Genomes Project 0.00060.
gnomAD v4.1: 59 of 1,526,528 alleles (0.0039%); highest among the groups gnomAD compares: African/African-American, 0.068%; no homozygotes.

Submissions (4):

Labcorp Genetics (formerly Invitae), Labcorp
Classification: Likely benign for Walker-Warburg congenital muscular dystrophy. Last evaluated: 2026-02-02. Review status: criteria provided, single submitter. Criteria: Invitae Variant Classification Sherloc (09022015). Collection method: clinical testing. Allele origin: germline.

Molecular Diagnostic Laboratory for Inherited Cardiovascular Disease, Montreal Heart Institute
Classification: Likely benign. Last evaluated: 2025-04-09. Review status: criteria provided, single submitter. Criteria: ACMG Guidelines, 2015. Collection method: clinical testing. Allele origin: germline. Affected: no.

Ambry Genetics
Classification: Likely benign for Cardiovascular phenotype. Last evaluated: 2016-12-23. Review status: criteria provided, single submitter. Criteria: Ambry Variant Classification Scheme 2023. Collection method: clinical testing. Allele origin: germline.

GeneDx
Classification: Likely benign. Last evaluated: 2015-10-28. Review status: criteria provided, single submitter. Criteria: GeneDx Variant Classification (06012015). Collection method: clinical testing. Allele origin: germline. Affected: yes.
Comment: This variant is considered likely benign or benign based on one or more of the following criteria: it is a conservative change, it occurs at a poorly conserved position in the protein, it is predicted to be benign by multiple in silico algorithms, and/or has population frequency not consistent with disease.

NM_001079802.2(FKTN):c.102A>C (p.Thr34=)

Gene: FKTN (fukutin; plus strand). Cytogenetic location: 9q31.2.
Variant type: single nucleotide variant.
Coding change: c.102A>C on transcript NM_001079802.2 (MANE Select); coding-DNA position 102, A replaced by C.
Protein change: p.Thr34=; no amino-acid change (threonine 34 retained).
Molecular consequence: synonymous variant. On other transcripts: 5 prime UTR variant (5), non-coding transcript variant (2).
Genome position (GRCh38, 1-based): chr9:105,575,134, A>C. VCF-style: chr9-105575134-A-C. GRCh37 (hg19) VCF-style: chr9-108337415-A-C.
Other names: c.102A>C, p.Thr34= (NM_001198963.2, NM_001351496.2, NM_001351498.2 and 1 more transcripts); c.-66A>C (NM_001351497.2); c.-413A>C (NM_001351499.2, NM_001351500.2, NM_001351501.2 and 1 more transcripts).
Identifiers: ClinVar variation 380678 (VCV000380678.17), dbSNP rs138740640, ClinGen allele CA5170297.
Genomic context (GRCh38, chr9:105,575,134, plus strand): 5'-GCTGACAAGTTCTGCATTTCTGCTGTTTCAGTTGTACTACTACAAGCACTATTTATCAAC[A>C]AAGGTAATTTTATTCCTTCTTTCTTATCATTCCTCCTTTCTTATCATTGTATATTTTCTG-3'
Protein context (NP_001073270.1, residues 24-44): QLYYYKHYLS[Thr34=]KNGAGLSKSK